The following is an entry in ClinVar:

ClinVar aggregate classification (germline): Benign/Likely benign. Review status: criteria provided, multiple submitters, no conflicts (2 of 4 stars). 3 submissions from 3 submitters: Benign (1); Likely benign (2). Last evaluated 2026-01-25.

Conditions:
Hypomyelination and Congenital Cataract (HLD5). Also called: hypomyelinating leukodystrophy 5. Identifiers: Orphanet 85163, MedGen C1864663, MONDO:0012514, OMIM 610532.

Allele frequency attached by ClinVar (database versions not stated): gnomAD 0.00019 and 0.00028; gnomAD exomes 0.00024 and 0.00064; TOPMed 0.00036; ExAC 0.00055; 1000 Genomes Project 30x 0.00094; 1000 Genomes Project 0.00100.
gnomAD v4.1: 353 of 1,484,928 alleles (0.024%); highest among the groups gnomAD compares: East Asian, 0.71%; 1 homozygote.

Submissions (3):

Labcorp Genetics (formerly Invitae), Labcorp
Classification: Benign for Hypomyelination and Congenital Cataract. Last evaluated: 2026-01-25. Review status: criteria provided, single submitter. Criteria: Invitae Variant Classification Sherloc (09022015). Collection method: clinical testing. Allele origin: germline.

Blueprint Genetics
Classification: Likely benign. Last evaluated: 2024-10-08. Review status: criteria provided, single submitter. Criteria: ACMG Guidelines, 2015. Collection method: clinical testing. Allele origin: germline.

Illumina Laboratory Services, Illumina
Classification: Likely benign for Hypomyelination and Congenital Cataract. Last evaluated: 2018-01-13. Review status: criteria provided, single submitter. Criteria: ICSL Variant Classification Criteria 13 December 2019. Collection method: clinical testing. Allele origin: germline.
Comment: This variant was observed in the ICSL laboratory as part of a predisposition screen in an ostensibly healthy population. It had not been previously curated by ICSL or reported in the Human Gene Mutation Database (HGMD: prior to June 1st, 2018), and was therefore a candidate for classification through an automated scoring system. Utilizing variant allele frequency, disease prevalence and penetrance estimates, and inheritance mode, an automated score was calculated to assess if this variant is too frequent to cause the disease. Based on the score and internal cut-off values, a variant classified as likely benign is not then subjected to further curation. The score for this variant resulted in a classification of likely benign for this disease.

NM_032581.4(HYCC1):c.530+12G>A

Gene: HYCC1 (hyccin PI4KA lipid kinase complex subunit 1; minus strand). Cytogenetic location: 7p15.3.
Variant type: single nucleotide variant.
Coding change: c.530+12G>A on transcript NM_032581.4 (MANE Select); 12 bases into the intron after coding-DNA position 530, G replaced by A.
Molecular consequence: intron variant.
Genome position (GRCh38, 1-based): chr7:22,976,681, C>T on the plus strand (G>A on the coding strand, the complement: HYCC1 is on the minus strand). VCF-style: chr7-22976681-C-T. GRCh37 (hg19) VCF-style: chr7-23016300-C-T.
Other names: c.530+12G>A (NM_001363467.2, NM_001363466.2).
Identifiers: ClinVar variation 359781 (VCV000359781.13), dbSNP rs139158847, ClinGen allele CA4185992.